The following is an entry in ClinVar:

ClinVar aggregate classification (germline): Benign. Review status: reviewed by expert panel (3 of 4 stars). 14 submissions from 14 submitters: Benign (1). 13 of the submissions do not count toward it. Last evaluated 2024-03-25.

Conditions:
Ovarian cancer. Also called: OVARIAN CANCER, SOMATIC. Identifiers: Orphanet 213500, MedGen C1140680, MONDO:0008170, OMIM 167000.
Blepharocheilodontic syndrome 1 (BCDS1). Identifiers: Orphanet 1997, MedGen C4551988, MONDO:0054740, OMIM 119580.
Familial cancer of breast. Also called: BREAST CANCER, FAMILIAL; Hereditary breast cancer; hereditary breast carcinoma. Identifiers: Orphanet 227535, MedGen C0346153, MONDO:0016419, OMIM 114480. Disease mechanism: loss of function.
Endometrial carcinoma. Also called: Endometrial carcinoma, somatic. Identifiers: MedGen C0476089, MONDO:0002447, OMIM 608089, HP:0012114.
Hereditary diffuse gastric adenocarcinoma (HDGC). Also called: DIFFUSE GASTRIC AND LOBULAR BREAST CANCER SYNDROME. Identifiers: Orphanet 26106, MedGen C1708349, MONDO:0007648, OMIM 137215.
CDH1-related disorder. Also called: CDH1-related condition.
Hereditary cancer-predisposing syndrome. Also called: Tumor predisposition; Neoplastic Syndromes, Hereditary; Hereditary neoplastic syndrome; Hereditary Cancer Syndrome. Identifiers: Orphanet 140162, MedGen C0027672, MeSH D009386, MONDO:0015356.

Allele frequency attached by ClinVar (database versions not stated): gnomAD 0.00005 and 0.00004; TOPMed 0.00006; ExAC 0.00002; gnomAD exomes 0.00002 and 0.00003.
gnomAD v4.1: 47 of 1,613,940 alleles (0.0029%); highest among the groups gnomAD compares: Admixed American, 0.0033%; 1 homozygote.

Submissions (14):

Clingen Gastric Cancer Variant Curation Expert Panel
Classification: Benign for Hereditary diffuse gastric adenocarcinoma. Last evaluated: 2024-03-25. Review status: reviewed by expert panel. Criteria: ClinGen CDH1 ACMG Specifications V3.1. Collection method: curation. Allele origin: germline. Inheritance: Autosomal dominant inheritance.
Comment: The c.2336G>A (NM_004360.5) variant in CDH1 is a missense variant predicted to cause substitution of arginine by glutamine at amino acid 779 (p.Arg779Gln). This variant has been observed in more than 10 (134) individuals without a diagnosis of diffuse gastric cancer, signet ring tumor or lobular breast cancer and whose family histories do not suggest HDGC. (BS2; PMID: 29522266, 36436516; ClinVar SCVs: SCV000172951.7, SCV000288462.10, SCV000210875.16; internal lab contributors). In summary, this variant meets the criteria to be classified as benign for hereditary diffuse gastric cancer based on the ACMG/AMP criteria applied, as specified by the ClinGen CDH1 variant curation expert panel (Variant Interpretation Guidelines Version 3.1): BS2, BP2_S.

Labcorp Genetics (formerly Invitae), Labcorp
Classification: Likely benign for Hereditary diffuse gastric adenocarcinoma. Last evaluated: 2026-01-28. Review status: criteria provided, single submitter. Criteria: Invitae Variant Classification Sherloc (09022015). Collection method: clinical testing. Allele origin: germline. Not counted in ClinVar's aggregate classification.

PreventionGenetics, part of Exact Sciences
Classification: Benign for CDH1-related condition. Last evaluated: 2026-01-07. Review status: criteria provided, single submitter. Criteria: ACMG Guidelines, 2015. Collection method: clinical testing. Allele origin: germline. Not counted in ClinVar's aggregate classification.
Comment: This variant is classified as benign based on ACMG/AMP sequence variant interpretation guidelines (Richards et al. 2015 PMID: 25741868, with internal and published modifications).

Quest Diagnostics Nichols Institute San Juan Capistrano
Classification: Uncertain significance. Last evaluated: 2025-02-20. Review status: criteria provided, single submitter. Criteria: Quest Diagnostics criteria. Collection method: clinical testing. Allele origin: unknown. Not counted in ClinVar's aggregate classification.
Comment: The CDH1 c.2336G>A (p.Arg779Gln) variant has been reported in the published literature in individuals with breast cancer (PMID: 29522266 (2018), 33471991 (2021), 35884425 (2022), 36436516 (2023), see also LOVD), ovarian cancer (PMID: 28852190 (2017)) and reportedly healthy individuals (PMID: 33471991 (2021), see also LOVD). The frequency of this variant in the general population (Genome Aggregation Database) is uninformative in the assessment of its pathogenicity. Analysis of this variant using bioinformatics tools for the prediction of the effect of amino acid changes on protein structure and function yielded conflicting predictions that this variant is benign or damaging. Based on the available information, we are unable to determine the clinical significance of this variant.

Color Diagnostics, LLC DBA Color Health
Classification: Uncertain significance for Hereditary cancer-predisposing syndrome. Last evaluated: 2024-08-06. Review status: criteria provided, single submitter. Criteria: ACMG Guidelines, 2015. Collection method: clinical testing. Allele origin: germline. Not counted in ClinVar's aggregate classification.
Comment: This missense variant replaces arginine with glutamine at codon 779 of the CDH1 protein. Computational prediction suggests that this variant may not impact protein structure and function (internally defined REVEL score threshold <= 0.5, PMID: 27666373). To our knowledge, functional studies have not been performed for this variant. This variant has been reported in individuals with breast cancer (PMID: 29522266, Lovejoy et al. 2018). In a large breast cancer case-control study conducted by the BRIDGES consortium, this variant was reported in 6/60466 cases and 1/53461 unaffected controls, showing inconclusive association with disease (OR=5.305 (95%CI 0.639 to 44.07); p-value=0.13; Leiden Open Variation Database DB-ID CDH1_000359) (PMID: 33471991). The variant has also been reported in individuals unaffected by CDH1-associated disease (Color internal data). This variant has been identified in 5/282808 chromosomes in the general population by the Genome Aggregation Database (gnomAD). The available evidence is insufficient to determine the role of this variant in disease conclusively. Therefore, this variant is classified as a Variant of Uncertain Significance.

Blueprint Genetics
Classification: Uncertain significance. Last evaluated: 2024-01-26. Review status: criteria provided, single submitter. Criteria: ACMG Guidelines, 2015. Collection method: clinical testing. Allele origin: germline. Not counted in ClinVar's aggregate classification.

Fulgent Genetics
Classification: Uncertain significance for Familial cancer of breast; Blepharocheilodontic syndrome 1; Hereditary diffuse gastric adenocarcinoma; Ovarian cancer; Endometrial carcinoma. Last evaluated: 2024-01-23. Review status: criteria provided, single submitter. Criteria: ACMG Guidelines, 2015. Collection method: clinical testing. Allele origin: germline. Not counted in ClinVar's aggregate classification.

Baylor Genetics
Classification: Uncertain significance for Familial cancer of breast. Last evaluated: 2023-10-30. Review status: criteria provided, single submitter. Criteria: ACMG Guidelines, 2015. Collection method: clinical testing. Allele origin: unknown. Not counted in ClinVar's aggregate classification.

GeneDx
Classification: Uncertain significance. Last evaluated: 2023-06-05. Review status: criteria provided, single submitter. Criteria: GeneDx Variant Classification Process June 2021. Collection method: clinical testing. Allele origin: germline. Affected: yes. Not counted in ClinVar's aggregate classification.
Comment: Not observed at significant frequency in large population cohorts (gnomAD); In silico analysis supports that this missense variant does not alter protein structure/function; Observed in individuals with personal and/or family history of breast cancer (Hauke et al., 2018; Garcia-Pelaez et al., 2023); This variant is associated with the following publications: (PMID: 27499925, 28522829, 26643872, 22850631, 15235021, 36436516, 29522266)

Myriad Genetics, Inc.
Classification: Uncertain significance for Hereditary diffuse gastric adenocarcinoma. Last evaluated: 2023-03-06. Review status: criteria provided, single submitter. Criteria: Myriad Autosomal Dominant, Autosomal Recessive and X-Linked Classification Criteria (2023). Collection method: clinical testing. Allele origin: unknown. Not counted in ClinVar's aggregate classification.
Comment: This variant is classified as a variant of uncertain significance as there is insufficient evidence to determine its impact on protein function and/or cancer risk.

Women's Health and Genetics/Laboratory Corporation of America, LabCorp
Classification: Uncertain significance. Last evaluated: 2023-02-03. Review status: criteria provided, single submitter. Criteria: LabCorp Variant Classification Summary - May 2015. Collection method: clinical testing. Allele origin: germline. Not counted in ClinVar's aggregate classification.
Comment: Variant summary: CDH1 c.2336G>A (p.Arg779Gln) results in a conservative amino acid change located in the cadherin, cytoplasmic domain (IPR000233) of the encoded protein sequence. Three of five in-silico tools predict a benign effect of the variant on protein function. The variant allele was found at a frequency of 1.6e-05 in 251462 control chromosomes (gnomAD). The available data on variant occurrences in the general population are insufficient to allow any conclusion about variant significance. c.2336G>A has been reported in the literature in one individual affected with breast cancer (Hauke_2018). This report does not provide unequivocal conclusions about association of the variant with breast cancer. To our knowledge, no experimental evidence demonstrating an impact on protein function has been reported. Five clinical diagnostic laboratories have submitted clinical-significance assessments for this variant to ClinVar after 2014 and classified it as either VUS (n=4) or likely benign (n=1). Based on the evidence outlined above, the variant was classified as uncertain significance.

European Reference Network on Genetic Tumour Risk Syndromes (ERN-GENTURIS), i3s - Instituto de Investigação e Inovação em Saúde, University of Porto
Classification: Uncertain significance for Hereditary diffuse gastric adenocarcinoma. Last evaluated: 2022-08-01. Review status: criteria provided, single submitter. Criteria: Lee et al. (Hum Mutat. 2018). Collection method: clinical testing. Allele origin: germline. Inheritance: Autosomal dominant inheritance. Affected: no. Study: ERN GENTURIS. Not counted in ClinVar's aggregate classification.
Comment: BS2_Supporting (PMID: 30311375)

Ambry Genetics
Classification: Likely benign for Hereditary cancer-predisposing syndrome. Last evaluated: 2020-08-20. Review status: criteria provided, single submitter. Criteria: Ambry Variant Classification Scheme 2023. Collection method: clinical testing. Allele origin: germline. Not counted in ClinVar's aggregate classification.

Counsyl
Classification: Uncertain significance for Hereditary diffuse gastric adenocarcinoma. Last evaluated: 2016-05-12. Review status: no assertion criteria provided. Collection method: clinical testing. Allele origin: unknown. Not counted in ClinVar's aggregate classification.

Literature cited by the submitters: PubMed 28852190 (cited by Quest Diagnostics Nichols Institute San Juan Capistrano); PubMed 36436516 (cited by Quest Diagnostics Nichols Institute San Juan Capistrano and European Reference Network on Genetic Tumour Risk Syndromes (ERN-GENTURIS), i3s - Instituto de Investigação e Inovação em Saúde, University of Porto); PubMed 38153744 (cited by Quest Diagnostics Nichols Institute San Juan Capistrano); PubMed 29522266 (cited by 4 submitters); PubMed 35884425 (cited by Quest Diagnostics Nichols Institute San Juan Capistrano); PubMed 33471991 (cited by Quest Diagnostics Nichols Institute San Juan Capistrano and Color Diagnostics, LLC DBA Color Health); PubMed 28522829 (cited by Women's Health and Genetics/Laboratory Corporation of America, LabCorp).

NM_004360.5(CDH1):c.2336G>A (p.Arg779Gln)

Gene: CDH1 (cadherin 1; plus strand). Cytogenetic location: 16q22.1.
Variant type: single nucleotide variant.
Coding change: c.2336G>A on transcript NM_004360.5 (MANE Select); coding-DNA position 2336, G replaced by A.
Protein change: p.Arg779Gln; replaces arginine 779 with glutamine.
Molecular consequence: missense variant.
Genome position (GRCh38, 1-based): chr16:68,829,694, G>A. VCF-style: chr16-68829694-G-A. GRCh37 (hg19) VCF-style: chr16-68863597-G-A.
Other names: p.R779Q:CGG>CAG; NM_004360.5(CDH1):c.2336G>A; p.Arg779Gln; c.2336G>A (LRG_301t1); c.2153G>A, p.Arg718Gln (NM_001317184.2); c.788G>A, p.Arg263Gln (NM_001317185.2); c.371G>A, p.Arg124Gln (NM_001317186.2); short protein forms R779Q, R124Q, R263Q, R718Q.
Identifiers: ClinVar variation 140840 (VCV000140840.40), dbSNP rs587781311, ClinGen allele CA293940.